The following is an entry in ClinVar:

NM_000059.4(BRCA2):c.8164A>G (p.Thr2722Ala)

Gene: BRCA2 (BRCA2 DNA repair associated; plus strand). Cytogenetic location: 13q13.1.
Variant type: single nucleotide variant.
Coding change: c.8164A>G on transcript NM_000059.4 (MANE Select); coding-DNA position 8164, A replaced by G.
Protein change: p.Thr2722Ala; replaces threonine 2722 with alanine.
Molecular consequence: missense variant.
Genome position (GRCh38, 1-based): chr13:32,363,366, A>G. VCF-style: chr13-32363366-A-G. GRCh37 (hg19) VCF-style: chr13-32937503-A-G.
Other names: NM_000059.4(BRCA2):c.8164A>G; p.Thr2722Ala; short protein forms T2722A.
Identifiers: ClinVar variation 479367 (VCV000479367.18), dbSNP rs1555287019, ClinGen allele CA387749574.

ClinVar aggregate classification (germline): Likely pathogenic. Review status: reviewed by expert panel (3 of 4 stars). 4 submissions from 4 submitters: Likely pathogenic (1). 3 of the submissions do not count toward it. Last evaluated 2025-08-18.

Conditions:
Hereditary breast ovarian cancer syndrome. Also called: Hereditary breast and ovarian cancer syndrome (HBOC); Hereditary breast and ovarian cancer syndrome; Breast and ovarian cancer; BRCA1- and BRCA2-Associated Hereditary Breast and Ovarian Cancer; Hereditary breast and ovarian cancer; Hereditary breast and/or ovarian cancer syndrome. Identifiers: Orphanet 145, MedGen C0677776, MeSH D061325, MONDO:0003582. Disease mechanism: loss of function.
BRCA2-related cancer predisposition. Identifiers: MedGen CN377758, MONDO:0700269.
Hereditary cancer-predisposing syndrome. Also called: Neoplastic Syndromes, Hereditary; Hereditary Cancer Syndrome; Hereditary neoplastic syndrome; Tumor predisposition. Identifiers: Orphanet 140162, MedGen C0027672, MeSH D009386, MONDO:0015356.

Allele frequency attached by ClinVar (database versions not stated): gnomAD exomes below 0.00001.
gnomAD v4.1: 1 of 1,614,208 alleles (0.000062%); highest among the groups gnomAD compares: Non-Finnish European, 0.000085%; no homozygotes.

Submissions (4):

ClinGen ENIGMA BRCA1 and BRCA2 Variant Curation Expert Panel, ClinGen
Classification: Likely pathogenic for BRCA2-related cancer predisposition. Last evaluated: 2025-08-18. Review status: reviewed by expert panel. Criteria: CSpec BRCA1/2ACMG Rules Specifications V1.2. Collection method: curation. Allele origin: germline. Inheritance: Autosomal dominant inheritance.
Comment: The c.8164A>G variant in BRCA2 is a missense variant predicted to cause substitution of Threonine by Alanine at amino acid 2722 (p.(Thr2722Ala)). This variant is absent from gnomAD v2.1 (exomes only, non-cancer subset, read depth ≥25) and gnomAD v3.1 (non-cancer subset, read depth ≥25) (PM2_Supporting met). Reported by four calibrated studies to exhibit protein function similar to pathogenic control variants (PMIDs:38417439, 39779848, 39779857, 37713444) (PS3 met). This BRCA2 missense variant is within a key functional domain and the computational predictor BayesDel (noAF) gives a score of 0.4, above the recommended threshold of 0.30 for prediction of impact on BRCA2 function via protein change. A SpliceAI score of 0 predicts no impact on splicing (score threshold <0.10) (PP3 met). In summary, this variant meets the criteria to be classified as a Likely pathogenic variant for BRCA2-related cancer predisposition based on the ACMG/AMP criteria applied as specified by the ENIGMA BRCA1/2 VCEP (PM2_Supporting, PS3, PP3).

GeneDx
Classification: Likely pathogenic. Last evaluated: 2025-07-23. Review status: criteria provided, single submitter. Criteria: GeneDx Variant Classification Process June 2021. Collection method: clinical testing. Allele origin: germline. Affected: yes. Not counted in ClinVar's aggregate classification.
Comment: Observed in individuals with a personal and/or family history of breast and/or ovarian cancer (PMID: 35534704); Not observed at significant frequency in large population cohorts (gnomAD); In silico analysis suggests that this missense variant does not alter protein structure/function; Also known as 8392A>G; This variant is associated with the following publications: (PMID: 33609447, 35736817, 39779848, 39779857, 12228710, 35534704)

Ambry Genetics
Classification: Likely pathogenic for Hereditary cancer-predisposing syndrome. Last evaluated: 2025-03-25. Review status: criteria provided, single submitter. Criteria: Ambry Variant Classification Scheme 2023. Collection method: clinical testing. Allele origin: germline. Not counted in ClinVar's aggregate classification.
Comment: The p.T2722A variant (also known as c.8164A>G), located in coding exon 17 of the BRCA2 gene, results from an A to G substitution at nucleotide position 8164. The threonine at codon 2722 is replaced by alanine, an amino acid with similar properties. This variant was non-functional in a homology-directed DNA repair (HDR) assay (Richardson ME et al. Am J Hum Genet, 2021 03;108:458-468; Hu C et al. Clin Cancer Res. 2022 Sep;28(17):3742-3751). Two saturation genome editing-based studies, including a haploid cell-survival assay and a humanized mouse embryonic stem cell line assay of drug response and survival, demonstrate that this nucleotide substitution is non-functional (Huang H et al. Nature. 2025 Feb;638(8050):528-537; Sahu S et al. Nature. 2025 Feb;638(8050):538-545). This amino acid position is highly conserved in available vertebrate species. In addition, this alteration is predicted to be deleterious by in silico analysis. This variant is considered to be rare based on population cohorts in the Genome Aggregation Database (gnomAD). Based on the majority of available evidence to date, this variant is likely to be pathogenic.

Labcorp Genetics (formerly Invitae), Labcorp
Classification: Likely pathogenic for Hereditary breast ovarian cancer syndrome. Last evaluated: 2023-07-06. Review status: criteria provided, single submitter. Criteria: Invitae Variant Classification Sherloc (09022015). Collection method: clinical testing. Allele origin: germline. Not counted in ClinVar's aggregate classification.
Comment: In summary, the currently available evidence indicates that the variant is pathogenic, but additional data are needed to prove that conclusively. Therefore, this variant has been classified as Likely Pathogenic. This variant disrupts the p.Thr2722 amino acid residue in BRCA2. Other variant(s) that disrupt this residue have been determined to be pathogenic (PMID: 12145750, 18607349, 23108138, 25146914). This suggests that this residue is clinically significant, and that variants that disrupt this residue are likely to be disease-causing. This sequence change replaces threonine, which is neutral and polar, with alanine, which is neutral and non-polar, at codon 2722 of the BRCA2 protein (p.Thr2722Ala). This variant is not present in population databases (gnomAD no frequency). This variant has not been reported in the literature in individuals affected with BRCA2-related conditions. ClinVar contains an entry for this variant (Variation ID: 479367). Advanced modeling performed at Invitae incorporating data from internal and/or published experimental studies (PMID: 33609447) did not meet the statistical confidence thresholds required to predict the impact of this variant on BRCA2 function. Experimental studies have shown that this missense change affects BRCA2 function (PMID: 33609447).

Literature cited by the submitters: PubMed 33609447 (cited by Ambry Genetics and Labcorp Genetics (formerly Invitae), Labcorp); PubMed 35736817 (cited by Ambry Genetics); PubMed 39779848 (cited by Ambry Genetics); PubMed 39779857 (cited by Ambry Genetics); PubMed 12145750 (cited by Labcorp Genetics (formerly Invitae), Labcorp); PubMed 18607349 (cited by Labcorp Genetics (formerly Invitae), Labcorp); PubMed 23108138 (cited by Labcorp Genetics (formerly Invitae), Labcorp); PubMed 25146914 (cited by Labcorp Genetics (formerly Invitae), Labcorp).